The following is an entry in ClinVar:

NM_003922.4(HERC1):c.11111G>A (p.Arg3704His)

Gene: HERC1 (HECT and RLD domain containing E3 ubiquitin protein ligase family member 1; minus strand). Cytogenetic location: 15q22.31.
Variant type: single nucleotide variant.
Coding change: c.11111G>A on transcript NM_003922.4 (MANE Select); coding-DNA position 11111, G replaced by A.
Protein change: p.Arg3704His; replaces arginine 3704 with histidine.
Molecular consequence: missense variant.
Genome position (GRCh38, 1-based): chr15:63,645,065, C>T on the plus strand (G>A on the coding strand, the complement: HERC1 is on the minus strand). VCF-style: chr15-63645065-C-T. GRCh37 (hg19) VCF-style: chr15-63937264-C-T.
Other names: short protein forms R3704H.
Identifiers: ClinVar variation 3730863 (VCV003730863.2).

ClinVar aggregate classification (germline): Uncertain significance. Review status: criteria provided, multiple submitters, no conflicts (2 of 4 stars). 2 submissions from 2 submitters: Uncertain significance (2). Last evaluated 2025-09-10.

Conditions:
Inborn genetic diseases. Identifiers: MedGen C0950123, MeSH D030342.

gnomAD v4.1: 67 of 1,613,710 alleles (0.0042%); highest among the groups gnomAD compares: Admixed American, 0.005%; no homozygotes.

Submissions (2):

Ambry Genetics
Classification: Uncertain significance for Inborn genetic diseases. Last evaluated: 2025-09-10. Review status: criteria provided, single submitter. Criteria: Ambry Variant Classification Scheme 2023. Collection method: clinical testing. Allele origin: germline.

GeneDx
Classification: Uncertain significance. Last evaluated: 2024-08-12. Review status: criteria provided, single submitter. Criteria: GeneDx Variant Classification Process June 2021. Collection method: clinical testing. Allele origin: germline. Affected: yes.
Comment: Not observed at significant frequency in large population cohorts (gnomAD); In silico analysis indicates that this missense variant does not alter protein structure/function; Has not been previously published as pathogenic or benign to our knowledge